The following is an entry in ClinVar:

NM_001278512.2(AP3B2):c.2432A>G (p.Lys811Arg)

Genes: AP3B2 (adaptor related protein complex 3 subunit beta 2; minus strand), CPEB1-AS1 (CPEB1 antisense RNA 1; plus strand). Cytogenetic location: 15q25.2.
Variant type: single nucleotide variant.
Coding change: c.2432A>G on transcript NM_001278512.2 (MANE Select); coding-DNA position 2432, A replaced by G.
Protein change: p.Lys811Arg; replaces lysine 811 with arginine.
Molecular consequence: missense variant.
Genome position (GRCh38, 1-based): chr15:82,663,805, T>C on the plus strand (A>G on the coding strand, the complement: AP3B2 is on the minus strand). VCF-style: chr15-82663805-T-C. GRCh37 (hg19) VCF-style: chr15-83332557-T-C.
Other names: c.2279A>G, p.Lys760Arg (NM_001278511.2); c.2375A>G, p.Lys792Arg (NM_004644.5); c.2375A>G (NM_004644.3); short protein forms K760R, K792R, K811R.
Identifiers: ClinVar variation 1350049 (VCV001350049.5), dbSNP rs200012307, ClinGen allele CA7699922.

ClinVar aggregate classification (germline): Uncertain significance. Review status: criteria provided, multiple submitters, no conflicts (2 of 4 stars). 2 submissions from 2 submitters: Uncertain significance (2). Last evaluated 2025-08-01.

Conditions:
Inborn genetic diseases. Identifiers: MedGen C0950123, MeSH D030342.

Allele frequency attached by ClinVar (database versions not stated): gnomAD exomes 0.00001 and 0.00003; ExAC 0.00002; gnomAD 0.00003; TOPMed 0.00005; ESP Exome Variant Server 0.00008.
gnomAD v4.1: 40 of 1,612,496 alleles (0.0025%); highest among the groups gnomAD compares: Non-Finnish European, 0.0034%; no homozygotes.

Submissions (2):

Ambry Genetics
Classification: Uncertain significance for Inborn genetic diseases. Last evaluated: 2025-08-01. Review status: criteria provided, single submitter. Criteria: Ambry Variant Classification Scheme 2023. Collection method: clinical testing. Allele origin: germline.

Labcorp Genetics (formerly Invitae), Labcorp
Classification: Uncertain significance. Last evaluated: 2022-08-15. Review status: criteria provided, single submitter. Criteria: Invitae Variant Classification Sherloc (09022015). Collection method: clinical testing. Allele origin: germline.
Comment: In summary, the available evidence is currently insufficient to determine the role of this variant in disease. Therefore, it has been classified as a Variant of Uncertain Significance. Algorithms developed to predict the effect of missense changes on protein structure and function (SIFT, PolyPhen-2, Align-GVGD) all suggest that this variant is likely to be tolerated. ClinVar contains an entry for this variant (Variation ID: 1350049). This variant has not been reported in the literature in individuals affected with AP3B2-related conditions. This variant is present in population databases (rs200012307, gnomAD 0.003%). This sequence change replaces lysine, which is basic and polar, with arginine, which is basic and polar, at codon 792 of the AP3B2 protein (p.Lys792Arg).